The following is an entry in ClinVar:

NM_000245.4(MET):c.-14-3297G>C

Gene: MET (MET proto-oncogene, receptor tyrosine kinase; plus strand). Cytogenetic location: 7q31.2.
Variant type: single nucleotide variant.
Coding change: c.-14-3297G>C on transcript NM_000245.4 (MANE Select); 3297 bases into the intron before 14 bases upstream of the start codon, G replaced by C.
Molecular consequence: intron variant.
Genome position (GRCh38, 1-based): chr7:116,695,774, G>C. VCF-style: chr7-116695774-G-C. GRCh37 (hg19) VCF-style: chr7-116335828-G-C.
Other names: c.-14-3297G>C (NM_001127500.3, NM_001324401.3); c.-91+23197G>C (NM_001324402.2).
Identifiers: ClinVar variation 135555 (VCV000135555.1), dbSNP rs80048442, ClinGen allele CA163011.
Genomic context (GRCh38, chr7:116,695,774, plus strand): 5'-TAGAAGAGAAGGATAATAATACTTCCTTCTTCACAGGGTGGTGATGAAGAGTAAATCAAA[G>C]AGTTTAGCAGAATGCTTCCCATATGGTAAGCACTCAATACATGTTCTTGTTATTTTTATT-3'

ClinVar aggregate classification (germline): not provided (0 of 4 stars; one submission).

Allele frequency attached by ClinVar (database versions not stated): ExAC 0.00064; TOPMed 0.00350; 1000 Genomes Project 30x 0.00359; 1000 Genomes Project 0.00379.
gnomAD v4.1: 618 of 491,904 alleles (0.13%); highest among the groups gnomAD compares: African/African-American, 1.1%; 2 homozygotes.

Submission:

ITMI
No classification provided. Condition: AllHighlyPenetrant. Last evaluated: 2013-09-19. Review status: no classification provided. Collection method: reference population. Allele origin: germline.
Comment: Please see associated publication for description of ethnicities

Literature cited by the submitters: PubMed 24728327.